The following is an entry in ClinVar:

NM_053025.4(MYLK):c.1480G>C (p.Gly494Arg)

Gene: MYLK (myosin light chain kinase; minus strand). Cytogenetic location: 3q21.1.
Variant type: single nucleotide variant.
Coding change: c.1480G>C on transcript NM_053025.4 (MANE Select); coding-DNA position 1480, G replaced by C.
Protein change: p.Gly494Arg; replaces glycine 494 with arginine.
Molecular consequence: missense variant. On other transcripts: intron variant (2).
Genome position (GRCh38, 1-based): chr3:123,732,932, C>G on the plus strand (G>C on the coding strand, the complement: MYLK is on the minus strand). VCF-style: chr3-123732932-C-G. GRCh37 (hg19) VCF-style: chr3-123451779-C-G.
Other names: c.952G>C, p.Gly318Arg (NM_001321309.2); c.1480G>C, p.Gly494Arg (NM_053027.4); c.1309+755G>C (NM_053028.4, NM_053026.4); short protein forms G494R, G318R.
Identifiers: ClinVar variation 539077 (VCV000539077.10), dbSNP rs1002989047, ClinGen allele CA354237689.

ClinVar aggregate classification (germline): Uncertain significance (1 of 4 stars; one submission).

Conditions:
Aortic aneurysm, familial thoracic 7 (AAT7). Also called: AORTIC DISSECTION, FAMILIAL, WITH OR WITHOUT AORTIC ANEURYSM. Identifiers: MedGen C3151077, MONDO:0013418, OMIM 613780.

Submission:

Labcorp Genetics (formerly Invitae), Labcorp
Classification: Uncertain significance for Aortic aneurysm, familial thoracic 7. Last evaluated: 2022-11-24. Review status: criteria provided, single submitter. Criteria: Invitae Variant Classification Sherloc (09022015). Collection method: clinical testing. Allele origin: germline.
Comment: ClinVar contains an entry for this variant (Variation ID: 539077). In summary, the available evidence is currently insufficient to determine the role of this variant in disease. Therefore, it has been classified as a Variant of Uncertain Significance. Advanced modeling of protein sequence and biophysical properties (such as structural, functional, and spatial information, amino acid conservation, physicochemical variation, residue mobility, and thermodynamic stability) performed at Invitae indicates that this missense variant is not expected to disrupt MYLK protein function. This variant has not been reported in the literature in individuals affected with MYLK-related conditions. This variant is not present in population databases (gnomAD no frequency). This sequence change replaces glycine, which is neutral and non-polar, with arginine, which is basic and polar, at codon 494 of the MYLK protein (p.Gly494Arg).